The following is an entry in ClinVar:

NM_015100.4(POGZ):c.2646_2647del (p.Asn882fs)

Gene: POGZ (pogo transposable element derived with ZNF domain; minus strand). Cytogenetic location: 1q21.3.
Variant type: Deletion.
Coding change: c.2646_2647del on transcript NM_015100.4 (MANE Select); coding-DNA positions 2646 to 2647, 2 bases deleted (CA; older notation c.2646_2647delCA).
Protein change: p.Asn882fs; shifts the reading frame from asparagine 882.
Molecular consequence: frameshift variant.
Genome position (GRCh38, 1-based): chr1:151,406,388-151,406,389, TG deleted on the plus strand (CA on the coding strand, the reverse complement: POGZ is on the minus strand); deleting any 2 consecutive bases within chr1:151,406,388-151,406,390 gives the same sequence; the c. name uses the placement nearest the transcript's 3' end. VCF-style (leftmost placement, unchanged base first): chr1-151406387-TTG-T. GRCh37 (hg19) VCF-style: chr1-151378863-TTG-T.
Other names: c.2619_2620del, p.Asn873fs (NM_001194937.2); c.2460_2461del, p.Asn820fs (NM_001194938.2); c.2361_2362del, p.Asn787fs (NM_145796.4); c.2487_2488del, p.Asn829fs (NM_207171.2); short protein forms N829fs, N873fs, N882fs, N787fs, N820fs.
Identifiers: ClinVar variation 559853 (VCV000559853.3), dbSNP rs1553213060, ClinGen allele CA658821141.

ClinVar aggregate classification (germline): Pathogenic. Review status: criteria provided, multiple submitters, no conflicts (2 of 4 stars). 3 submissions from 3 submitters: Pathogenic (3). Last evaluated 2023-04-11.

Conditions:
Intellectual disability-microcephaly-strabismus-behavioral abnormalities syndrome. Also called: White-Sutton Syndrome. Identifiers: Orphanet 468678, MedGen C4225351, MONDO:0014606, OMIM 616364.

Submissions (3):

Genome-Nilou Lab
Classification: Pathogenic for Intellectual disability-microcephaly-strabismus-behavioral abnormalities syndrome. Last evaluated: 2023-04-11. Review status: criteria provided, single submitter. Criteria: ACMG Guidelines, 2015. Collection method: clinical testing. Allele origin: germline. Affected: no.

3billion
Classification: Pathogenic for Intellectual disability-microcephaly-strabismus-behavioral abnormalities syndrome. Last evaluated: 2023-02-23. Review status: criteria provided, single submitter. Criteria: ACMG Guidelines, 2015. Collection method: clinical testing. Allele origin: unknown. Affected: yes.
Comment: The variant is not observed in the gnomAD v2.1.1 dataset. This variant was predicted to result in a loss or disruption of normal protein function through protein truncation. Multiple pathogenic variants are reported in the predicted truncated region. The variant has been reported to be associated with POGZ-related disorder (ClinVar ID: VCV000559853). Therefore, this variant is classified as Pathogenic according to the recommendation of ACMG/AMP guideline.

Equipe Genetique des Anomalies du Developpement, Université de Bourgogne
Classification: Pathogenic for Intellectual disability-microcephaly-strabismus-behavioral abnormalities syndrome. Last evaluated: 2017-07-21. Review status: criteria provided, single submitter. Criteria: ACMG Guidelines, 2015. Collection method: clinical testing. Allele origin: de novo. Affected: yes. Study: Clinvar_gadteam_Clinical_exome_analysis_3.

Literature cited by the submitters: PubMed 33277917 (cited by 3billion).